The following is an entry in ClinVar:

NM_000440.3(PDE6A):c.299G>T (p.Arg100Leu)

Gene: PDE6A (phosphodiesterase 6A; minus strand). Cytogenetic location: 5q32.
Variant type: single nucleotide variant.
Coding change: c.299G>T on transcript NM_000440.3 (MANE Select); coding-DNA position 299, G replaced by T.
Protein change: p.Arg100Leu; replaces arginine 100 with leucine.
Molecular consequence: missense variant.
Genome position (GRCh38, 1-based): chr5:149,944,375, C>A on the plus strand (G>T on the coding strand, the complement: PDE6A is on the minus strand). VCF-style: chr5-149944375-C-A. GRCh37 (hg19) VCF-style: chr5-149323938-C-A.
Other names: short protein forms R100L.
Identifiers: ClinVar variation 1440276 (VCV001440276.8), dbSNP rs199738915, ClinGen allele CA361700466.

ClinVar aggregate classification (germline): Uncertain significance (1 of 4 stars; one submission).

gnomAD v4.1: 14 of 1,614,052 alleles (0.00087%); highest among the groups gnomAD compares: Non-Finnish European, 0.0012%; no homozygotes.

Submission:

Labcorp Genetics (formerly Invitae), Labcorp
Classification: Uncertain significance. Last evaluated: 2022-07-19. Review status: criteria provided, single submitter. Criteria: Invitae Variant Classification Sherloc (09022015). Collection method: clinical testing. Allele origin: germline.
Comment: In summary, the available evidence is currently insufficient to determine the role of this variant in disease. Therefore, it has been classified as a Variant of Uncertain Significance. Algorithms developed to predict the effect of missense changes on protein structure and function are either unavailable or do not agree on the potential impact of this missense change (SIFT: "Deleterious"; PolyPhen-2: "Probably Damaging"; Align-GVGD: "Class C0"). ClinVar contains an entry for this variant (Variation ID: 1440276). This variant has not been reported in the literature in individuals affected with PDE6A-related conditions. This variant is not present in population databases (gnomAD no frequency). This sequence change replaces arginine, which is basic and polar, with leucine, which is neutral and non-polar, at codon 100 of the PDE6A protein (p.Arg100Leu).